The following is an entry in ClinVar:

ClinVar aggregate classification (germline): Uncertain significance (1 of 4 stars; one submission).

Conditions:
TTN-related disorder. Also called: TTN-related disorders; TTN-related condition; TTN-related disease.

gnomAD v4.1: 1 of 1,613,310 alleles (0.000062%); highest among the groups gnomAD compares: African/African-American, 0.0013%; no homozygotes.

Submission:

PreventionGenetics, part of Exact Sciences
Classification: Uncertain significance for TTN-related condition. Last evaluated: 2025-10-21. Review status: criteria provided, single submitter. Criteria: ACMG Guidelines, 2015. Collection method: clinical testing. Allele origin: germline.
Comment: The TTN c.21074A>G variant is predicted to result in the amino acid substitution p.Asn7025Ser. To our knowledge, this variant has not been reported in the literature or in a large population database (gnomAD), indicating this variant is rare. At this time, the clinical significance of this variant is uncertain due to the absence of conclusive functional and genetic evidence.

NM_001267550.2(TTN):c.21074A>G (p.Asn7025Ser)

Genes: TTN (titin; minus strand), LOC126806428 (BRD4-independent group 4 enhancer GRCh37_chr2:179588362-179589561; plus strand). Cytogenetic location: 2q31.2.
Variant type: single nucleotide variant.
Coding change: c.21074A>G on transcript NM_001267550.2 (MANE Select); coding-DNA position 21074, A replaced by G.
Protein change: p.Asn7025Ser; replaces asparagine 7025 with serine.
Molecular consequence: missense variant. On other transcripts: intron variant (3).
Genome position (GRCh38, 1-based): chr2:178,724,301, T>C on the plus strand (A>G on the coding strand, the complement: TTN is on the minus strand). VCF-style: chr2-178724301-T-C. GRCh37 (hg19) VCF-style: chr2-179589028-T-C.
Other names: c.20123A>G, p.Asn6708Ser (NM_001256850.1); c.17342A>G, p.Asn5781Ser (NM_133378.4); c.13282+13781A>G (NM_003319.4); c.13858+13781A>G (NM_133437.4); c.13657+13781A>G (NM_133432.3); short protein forms N7025S, N5781S, N6708S.
Identifiers: ClinVar variation 4987851 (VCV004987851.1).